The following is an entry in ClinVar:

ClinVar aggregate classification (germline): Uncertain significance. Review status: criteria provided, multiple submitters, no conflicts (2 of 4 stars). 2 submissions from 2 submitters: Uncertain significance (2). Last evaluated 2025-07-30.

Conditions:
Xeroderma pigmentosum, group F (XPF). Also called: XERODERMA PIGMENTOSUM, TYPE F; Xeroderma pigmentosum, type 6; ERCC4-Related Xeroderma Pigmentosum; XERODERMA PIGMENTOSUM VI; XP, GROUP F; XERODERMA PIGMENTOSUM, COMPLEMENTATION GROUP F. Identifiers: MedGen C0268140, MONDO:0010215, OMIM 278760.
Cockayne syndrome. Identifiers: Orphanet 191, MedGen C0009207, MONDO:0016006.
Fanconi anemia complementation group Q. Identifiers: Orphanet 84, MedGen C3808988, MONDO:0014108, OMIM 615272.

gnomAD v4.1: 63 of 1,612,574 alleles (0.0039%); highest among the groups gnomAD compares: South Asian, 0.011%; no homozygotes.

Submissions (2):

GeneDx
Classification: Uncertain significance. Last evaluated: 2025-07-30. Review status: criteria provided, single submitter. Criteria: GeneDx Variant Classification Process June 2021. Collection method: clinical testing. Allele origin: germline. Affected: yes.
Comment: In silico analysis supports that this missense variant has a deleterious effect on protein structure/function; Has not been previously published as pathogenic or benign to our knowledge

Labcorp Genetics (formerly Invitae), Labcorp
Classification: Uncertain significance for Fanconi anemia complementation group Q; Xeroderma pigmentosum, group F; Cockayne syndrome. Last evaluated: 2024-06-21. Review status: criteria provided, single submitter. Criteria: Invitae Variant Classification Sherloc (09022015). Collection method: clinical testing. Allele origin: germline.
Comment: This sequence change replaces tyrosine, which is neutral and polar, with cysteine, which is neutral and slightly polar, at codon 344 of the ERCC4 protein (p.Tyr344Cys). This variant is present in population databases (rs145851520, gnomAD 0.02%). This variant has not been reported in the literature in individuals affected with ERCC4-related conditions. ClinVar contains an entry for this variant (Variation ID: 1058221). Advanced modeling of protein sequence and biophysical properties (such as structural, functional, and spatial information, amino acid conservation, physicochemical variation, residue mobility, and thermodynamic stability) performed at Invitae indicates that this missense variant is expected to disrupt ERCC4 protein function with a positive predictive value of 80%. In summary, the available evidence is currently insufficient to determine the role of this variant in disease. Therefore, it has been classified as a Variant of Uncertain Significance.

NM_005236.3(ERCC4):c.1031A>G (p.Tyr344Cys)

Gene: ERCC4 (ERCC excision repair 4, endonuclease catalytic subunit; plus strand). Cytogenetic location: 16p13.12.
Variant type: single nucleotide variant.
Coding change: c.1031A>G on transcript NM_005236.3 (MANE Select); coding-DNA position 1031, A replaced by G.
Protein change: p.Tyr344Cys; replaces tyrosine 344 with cysteine.
Molecular consequence: missense variant.
Genome position (GRCh38, 1-based): chr16:13,932,214, A>G. VCF-style: chr16-13932214-A-G. GRCh37 (hg19) VCF-style: chr16-14026071-A-G.
Other names: c.1031A>G (NM_005236.2); short protein forms Y344C.
Identifiers: ClinVar variation 1058221 (VCV001058221.10), dbSNP rs145851520, ClinGen allele CA7910343.
Genomic context (GRCh38, chr16:13,932,214, plus strand): 5'-TAGGTTGGCTGTTTCTTGACTCCAGCACCTCGATGTTTATAAATGCTCGAGCAAGGGTTT[A>G]TCATCTTCCAGATGCCAAAATGAGTAAAAAAGAAAAAATATCTGAAAAAATGGAAATTAA-3'
Protein context (NP_005227.1, residues 334-354): SMFINARARV[Tyr344Cys]HLPDAKMSKK